The following is an entry in ClinVar:

ClinVar aggregate classification (germline): Uncertain significance (1 of 4 stars; one submission).

Submission:

Women's Health and Genetics/Laboratory Corporation of America, LabCorp
Classification: Uncertain significance. Last evaluated: 2024-03-11. Review status: criteria provided, single submitter. Criteria: LabCorp Variant Classification Summary - May 2015. Collection method: clinical testing. Allele origin: germline.
Comment: Variant summary: The variant involves the duplication of exon 9 in the BRCA1 gene. A presumed nomenclature of c.(593+1_594-1)_(670+1_671-1)dup has been designated for the purposes of this classification. The variant was absent in 21694 control chromosomes in the gnomAD database (Structural Variants v2.1 dataset). It is assumed to be a tandem duplication in direct orientation (PMIDs: 25640679, 30054569). This Copy Number Variant (CNV) is expected to alter the reading frame and predicted to result in a truncation or absence of the encoded protein due to nonsense mediated decay (NMD). However, a naturally occurring alternative transcript (20-30%), with an in-frame deletion of exon 9 and 10 is predicted to encode a BRCA1 protein with sufficient tumor suppression function to compensate for the lack of full-length transcript (PMID 27008870). To our knowledge, no occurrence of c.(593+1_594-1)_(670+1_671-1)dup in individuals affected with Hereditary Breast And Ovarian Cancer Syndrome and no experimental evidence demonstrating its impact on protein function have been reported. ClinVar contains an entry for this variant (Variation ID: 2425718). Based on the evidence outlined above, the variant was classified as uncertain significance.

NC_000017.10:g.(41246878_41247862)_(41247940_41249260)dup

Gene: BRCA1 (BRCA1 DNA repair associated; minus strand). Cytogenetic location: 17q21.31.
Variant type: Duplication.
Identifiers: ClinVar variation 3233526 (VCV003233526.2).